The following is an entry in ClinVar:

NM_139319.3(SLC17A8):c.553G>C (p.Val185Leu)

Gene: SLC17A8 (solute carrier family 17 member 8; plus strand). Cytogenetic location: 12q23.1.
Variant type: single nucleotide variant.
Coding change: c.553G>C on transcript NM_139319.3 (MANE Select); coding-DNA position 553, G replaced by C.
Protein change: p.Val185Leu; replaces valine 185 with leucine.
Molecular consequence: missense variant.
Genome position (GRCh38, 1-based): chr12:100,393,448, G>C. VCF-style: chr12-100393448-G-C. GRCh37 (hg19) VCF-style: chr12-100787226-G-C.
Other names: c.553G>C, p.Val185Leu (NM_001145288.2); short protein forms V185L.
Identifiers: ClinVar variation 4772784 (VCV004772784.1).

ClinVar aggregate classification (germline): Uncertain significance (1 of 4 stars; one submission).

gnomAD v4.1: 3 of 1,613,474 alleles (0.00019%); highest among the groups gnomAD compares: Admixed American, 0.0033%; no homozygotes.

Submission:

Labcorp Genetics (formerly Invitae), Labcorp
Classification: Uncertain significance. Last evaluated: 2025-09-08. Review status: criteria provided, single submitter. Criteria: Invitae Variant Classification Sherloc (09022015). Collection method: clinical testing. Allele origin: germline.
Comment: This sequence change replaces valine, which is neutral and non-polar, with leucine, which is neutral and non-polar, at codon 185 of the SLC17A8 protein (p.Val185Leu). This variant is present in population databases (rs778461278, gnomAD 0.006%). This variant has not been reported in the literature in individuals affected with SLC17A8-related conditions. Invitae Evidence Modeling of protein sequence and biophysical properties (such as structural, functional, and spatial information, amino acid conservation, physicochemical variation, residue mobility, and thermodynamic stability) indicates that this missense variant is not expected to disrupt SLC17A8 protein function with a negative predictive value of 80%. In summary, the available evidence is currently insufficient to determine the role of this variant in disease. Therefore, it has been classified as a Variant of Uncertain Significance.